The following is an entry in ClinVar:

ClinVar aggregate classification (germline): Uncertain significance (1 of 4 stars; one submission).

Submission:

Labcorp Genetics (formerly Invitae), Labcorp
Classification: Uncertain significance. Last evaluated: 2024-01-25. Review status: criteria provided, single submitter. Criteria: Invitae Variant Classification Sherloc (09022015). Collection method: clinical testing. Allele origin: germline.
Comment: This sequence change replaces alanine, which is neutral and non-polar, with serine, which is neutral and polar, at codon 241 of the VPS33A protein (p.Ala241Ser). This variant is not present in population databases (gnomAD no frequency). This variant has not been reported in the literature in individuals affected with VPS33A-related conditions. ClinVar contains an entry for this variant (Variation ID: 1717645). Advanced modeling of protein sequence and biophysical properties (such as structural, functional, and spatial information, amino acid conservation, physicochemical variation, residue mobility, and thermodynamic stability) performed at Invitae indicates that this missense variant is not expected to disrupt VPS33A protein function with a negative predictive value of 80%. In summary, the available evidence is currently insufficient to determine the role of this variant in disease. Therefore, it has been classified as a Variant of Uncertain Significance.

NM_022916.6(VPS33A):c.721G>T (p.Ala241Ser)

Gene: VPS33A (VPS33A core subunit of CORVET and HOPS complexes; minus strand). Cytogenetic location: 12q24.31.
Variant type: single nucleotide variant.
Coding change: c.721G>T on transcript NM_022916.6 (MANE Select); coding-DNA position 721, G replaced by T.
Protein change: p.Ala241Ser; replaces alanine 241 with serine.
Molecular consequence: missense variant.
Genome position (GRCh38, 1-based): chr12:122,249,925, C>A on the plus strand (G>T on the coding strand, the complement: VPS33A is on the minus strand). VCF-style: chr12-122249925-C-A. GRCh37 (hg19) VCF-style: chr12-122734472-C-A.
Other names: c.688G>T, p.Ala230Ser (NM_001351018.2); c.673G>T, p.Ala225Ser (NM_001351019.2); c.721G>T, p.Ala241Ser (NM_001351020.2); short protein forms A225S, A230S, A241S.
Identifiers: ClinVar variation 1717645 (VCV001717645.5), dbSNP rs2547169376, ClinGen allele CA387015943.
Genomic context (GRCh38, chr12:122,249,925, plus strand): 5'-ACTTACTGTTCTGAATGCCATAAATTTCATCAATGAGTCCTTCATATGTCAGCTGAGTGG[C>A]AAGAGGTGTTAATAAATCCACATTCCGATCAAGCAACAAGAGATTATCAAAAACAGGAAA-3'
Protein context (NP_075067.2, residues 231-251): DRNVDLLTPL[Ala241Ser]TQLTYEGLID